The following is an entry in ClinVar:

NM_002637.4(PHKA1):c.1654A>G (p.Ser552Gly)

Gene: PHKA1 (phosphorylase kinase regulatory subunit alpha 1; minus strand). Cytogenetic location: Xq13.1.
Variant type: single nucleotide variant.
Coding change: c.1654A>G on transcript NM_002637.4 (MANE Select); coding-DNA position 1654, A replaced by G.
Protein change: p.Ser552Gly; replaces serine 552 with glycine.
Molecular consequence: missense variant.
Genome position (GRCh38, 1-based): chrX:72,635,215, T>C on the plus strand (A>G on the coding strand, the complement: PHKA1 is on the minus strand). VCF-style: chrX-72635215-T-C. GRCh37 (hg19) VCF-style: chrX-71855065-T-C.
Other names: c.1654A>G, p.Ser552Gly (NM_001122670.2, NM_001172436.2); short protein forms S552G.
Identifiers: ClinVar variation 2853841 (VCV002853841.3), dbSNP rs2522548067, ClinGen allele CA413592014.

ClinVar aggregate classification (germline): Uncertain significance (1 of 4 stars; one submission).

Conditions:
Glycogen storage disease IXd (GSD9D). Also called: GSD IXd; Muscle Phosphorylase Kinase Deficiency. Identifiers: Orphanet 715, MedGen C1845151, MONDO:0010362, OMIM 300559.

Submission:

Labcorp Genetics (formerly Invitae), Labcorp
Classification: Uncertain significance for Glycogen storage disease IXd. Last evaluated: 2023-04-09. Review status: criteria provided, single submitter. Criteria: Invitae Variant Classification Sherloc (09022015). Collection method: clinical testing. Allele origin: germline.
Comment: In summary, the available evidence is currently insufficient to determine the role of this variant in disease. Therefore, it has been classified as a Variant of Uncertain Significance. Advanced modeling of protein sequence and biophysical properties (such as structural, functional, and spatial information, amino acid conservation, physicochemical variation, residue mobility, and thermodynamic stability) performed at Invitae indicates that this missense variant is not expected to disrupt PHKA1 protein function. This variant has not been reported in the literature in individuals affected with PHKA1-related conditions. This variant is not present in population databases (gnomAD no frequency). This sequence change replaces serine, which is neutral and polar, with glycine, which is neutral and non-polar, at codon 552 of the PHKA1 protein (p.Ser552Gly).